The following is an entry in ClinVar:

NM_000169.3(GLA):c.849G>C (p.Gln283His)

Genes: RPL36A-HNRNPH2 (RPL36A-HNRNPH2 readthrough; plus strand), GLA (galactosidase alpha; minus strand). Cytogenetic location: Xq22.1.
Variant type: single nucleotide variant.
Coding change: c.849G>C on transcript NM_000169.3 (MANE Select); coding-DNA position 849, G replaced by C.
Protein change: p.Gln283His; replaces glutamine 283 with histidine.
Molecular consequence: missense variant. On other transcripts: non-coding transcript variant (3), intron variant (2).
Genome position (GRCh38, 1-based): chrX:101,398,520, C>G on the plus strand (G>C on the coding strand, the complement: GLA is on the minus strand). VCF-style: chrX-101398520-C-G. GRCh37 (hg19) VCF-style: chrX-100653508-C-G.
Other names: c.972G>C, p.Gln324His (NM_001406747.1); c.849G>C, p.Gln283His (NM_001406748.1); c.300+3063C>G (NM_001199973.2); c.177+6698C>G (NM_001199974.2); short protein forms Q324H, Q283H.
Identifiers: ClinVar variation 3719272 (VCV003719272.3).

ClinVar aggregate classification (germline): Uncertain significance. Review status: criteria provided, multiple submitters, no conflicts (2 of 4 stars). 2 submissions from 2 submitters: Uncertain significance (2). Last evaluated 2025-03-27.

Conditions:
Fabry disease. Also called: Fabry's disease; ALPHA-GALACTOSIDASE A DEFICIENCY; ANDERSON-FABRY DISEASE; CERAMIDE TRIHEXOSIDASE DEFICIENCY; GLA DEFICIENCY; HEREDITARY DYSTOPIC LIPIDOSIS. Identifiers: Orphanet 324, MedGen C0002986, MONDO:0010526, OMIM 301500, HP:0001071. Disease mechanism: Fabry disease is due to inactivating mutations in the X-linked GLA gene resulting in deficiency of the enzyme Alpha Galactosidase-A., loss of function.

Submissions (2):

Revvity Omics, Revvity
Classification: Uncertain significance. Last evaluated: 2025-03-27. Review status: criteria provided, single submitter. Criteria: ACMG Guidelines, 2015. Collection method: clinical testing. Allele origin: germline.

Labcorp Genetics (formerly Invitae), Labcorp
Classification: Uncertain significance for Fabry disease. Last evaluated: 2024-02-26. Review status: criteria provided, single submitter. Criteria: Invitae Variant Classification Sherloc (09022015). Collection method: clinical testing. Allele origin: germline.
Comment: This sequence change replaces glutamine, which is neutral and polar, with histidine, which is basic and polar, at codon 283 of the GLA protein (p.Gln283His). This variant is not present in population databases (gnomAD no frequency). This variant has not been reported in the literature in individuals affected with GLA-related conditions. Advanced modeling of protein sequence and biophysical properties (such as structural, functional, and spatial information, amino acid conservation, physicochemical variation, residue mobility, and thermodynamic stability) performed at Invitae indicates that this missense variant is not expected to disrupt GLA protein function with a negative predictive value of 80%. This variant disrupts the p.Gln283 amino acid residue in GLA. Other variant(s) that disrupt this residue have been observed in individuals with GLA-related conditions (PMID: 16595074, 33016649), which suggests that this may be a clinically significant amino acid residue. In summary, the available evidence is currently insufficient to determine the role of this variant in disease. Therefore, it has been classified as a Variant of Uncertain Significance.

Literature cited by the submitters: PubMed 16595074 (cited by Labcorp Genetics (formerly Invitae), Labcorp); PubMed 33016649 (cited by Labcorp Genetics (formerly Invitae), Labcorp).